The following is an entry in ClinVar:

NM_000037.4(ANK1):c.3010C>G (p.Arg1004Gly)

Gene: ANK1 (ankyrin 1; minus strand). Cytogenetic location: 8p11.21.
Variant type: single nucleotide variant.
Coding change: c.3010C>G on transcript NM_000037.4 (MANE Select); coding-DNA position 3010, C replaced by G.
Protein change: p.Arg1004Gly; replaces arginine 1004 with glycine.
Molecular consequence: missense variant.
Genome position (GRCh38, 1-based): chr8:41,695,282, G>C on the plus strand (C>G on the coding strand, the complement: ANK1 is on the minus strand). VCF-style: chr8-41695282-G-C. GRCh37 (hg19) VCF-style: chr8-41552800-G-C.
Other names: c.3133C>G, p.Arg1045Gly (NM_001142446.2); c.3010C>G, p.Arg1004Gly (NM_020475.3, NM_020476.3, NM_020477.3); short protein forms R1045G, R1004G.
Identifiers: ClinVar variation 4741798 (VCV004741798.1).

ClinVar aggregate classification (germline): Uncertain significance (1 of 4 stars; one submission).

Submission:

Labcorp Genetics (formerly Invitae), Labcorp
Classification: Uncertain significance. Last evaluated: 2025-12-11. Review status: criteria provided, single submitter. Criteria: Invitae Variant Classification Sherloc (09022015). Collection method: clinical testing. Allele origin: germline.
Comment: This sequence change replaces arginine, which is basic and polar, with glycine, which is neutral and non-polar, at codon 1004 of the ANK1 protein (p.Arg1004Gly). This variant is not present in population databases (gnomAD no frequency). This variant has not been reported in the literature in individuals affected with ANK1-related conditions. Invitae Evidence Modeling of protein sequence and biophysical properties (such as structural, functional, and spatial information, amino acid conservation, physicochemical variation, residue mobility, and thermodynamic stability) indicates that this missense variant is expected to disrupt ANK1 protein function with a positive predictive value of 80%. In summary, the available evidence is currently insufficient to determine the role of this variant in disease. Therefore, it has been classified as a Variant of Uncertain Significance.